The following is an entry in ClinVar:

ClinVar aggregate classification (germline): Uncertain significance (1 of 4 stars; one submission).

Conditions:
Peroxisome biogenesis disorder 11A (Zellweger). Also called: Peroxisome biogenesis disorder 11A. Identifiers: Orphanet 912, MedGen C3554000, MONDO:0013949, OMIM 614883.

Submission:

Labcorp Genetics (formerly Invitae), Labcorp
Classification: Uncertain significance for Peroxisome biogenesis disorder 11A (Zellweger). Last evaluated: 2021-01-29. Review status: criteria provided, single submitter. Criteria: Invitae Variant Classification Sherloc (09022015). Collection method: clinical testing. Allele origin: germline.
Comment: This variant has not been reported in the literature in individuals with PEX13-related conditions. This variant is not present in population databases (ExAC no frequency). This sequence change replaces alanine with aspartic acid at codon 376 of the PEX13 protein (p.Ala376Asp). The alanine residue is moderately conserved and there is a moderate physicochemical difference between alanine and aspartic acid. Algorithms developed to predict the effect of missense changes on protein structure and function (SIFT, PolyPhen-2, Align-GVGD) all suggest that this variant is likely to be tolerated, but these predictions have not been confirmed by published functional studies and their clinical significance is uncertain. In summary, the available evidence is currently insufficient to determine the role of this variant in disease. Therefore, it has been classified as a Variant of Uncertain Significance.

NM_002618.4(PEX13):c.1127C>A (p.Ala376Asp)

Gene: PEX13 (peroxisomal biogenesis factor 13; plus strand). Cytogenetic location: 2p15.
Variant type: single nucleotide variant.
Coding change: c.1127C>A on transcript NM_002618.4 (MANE Select); coding-DNA position 1127, C replaced by A.
Protein change: p.Ala376Asp; replaces alanine 376 with aspartic acid.
Molecular consequence: missense variant.
Genome position (GRCh38, 1-based): chr2:61,048,685, C>A. VCF-style: chr2-61048685-C-A. GRCh37 (hg19) VCF-style: chr2-61275820-C-A.
Other names: short protein forms A376D.
Identifiers: ClinVar variation 1037423 (VCV001037423.8), dbSNP rs1412376429, ClinGen allele CA346950173.